The following is an entry in ClinVar:

ClinVar aggregate classification (somatic clinical impact): Tier II - Potential (1 of 4 stars; one submission).

Conditions:
Diffuse midline glioma, H3 K27M-mutant. Identifiers: MedGen C4289688, MONDO:0957196.

Submission:

Institute for Genomic Medicine (IGM) Clinical Laboratory, Nationwide Children's Hospital
Classification: Tier II - Potential for Diffuse midline glioma, H3 K27M-mutant. Assertion type: diagnostic. Clinical significance: supports diagnosis. Last evaluated: 2025-04-04. Review status: criteria provided, single submitter. Criteria: AMP/ASCO/CAP Guidelines, 2017. Collection method: clinical testing. Allele origin: somatic. Affected: yes.
Comment: Variant has Tier II (potential) clinical significance as a diagnostic inclusion criterion in diffuse midline glioma, H3 K27M-mutant, based on the following evidence: 1) Documented in one or more cancer databases (e.g., St. Jude Pecan, COSMIC, CIViC, OncoKB). 2) Assists in diagnosis alone or along with other biomarkers based on small studies or few case reports (Evidence Level D; PMIDs: 36551583, 36371345, 32901952, 30305285, 28594900).

Literature cited by the submitters: PubMed 36551583; PubMed 36371345; PubMed 32901952; PubMed 30305285; PubMed 28594900.

NM_001412.4(EIF1AX):c.37C>T (p.Arg13Cys)

Gene: EIF1AX (eukaryotic translation initiation factor 1A X-linked; minus strand). Cytogenetic location: Xp22.12.
Variant type: single nucleotide variant.
Coding change: c.37C>T on transcript NM_001412.4 (MANE Select); coding-DNA position 37, C replaced by T.
Protein change: p.Arg13Cys; replaces arginine 13 with cysteine.
Molecular consequence: missense variant.
Genome position (GRCh38, 1-based): chrX:20,138,602, G>A on the plus strand (C>T on the coding strand, the complement: EIF1AX is on the minus strand). VCF-style: chrX-20138602-G-A. GRCh37 (hg19) VCF-style: chrX-20156720-G-A.
Other names: short protein forms R13C.
Identifiers: ClinVar variation 4530060 (VCV004530060.1).